The following is an entry in ClinVar:

ClinVar aggregate classification (germline): Uncertain significance (1 of 4 stars; one submission).

Allele frequency attached by ClinVar (database versions not stated): TOPMed below 0.00001; gnomAD exomes 0.00001.
gnomAD v4.1: 9 of 1,613,550 alleles (0.00056%); highest among the groups gnomAD compares: Non-Finnish European, 0.00068%; no homozygotes.

Submission:

Labcorp Genetics (formerly Invitae), Labcorp
Classification: Uncertain significance. Last evaluated: 2022-10-17. Review status: criteria provided, single submitter. Criteria: Invitae Variant Classification Sherloc (09022015). Collection method: clinical testing. Allele origin: germline.
Comment: In summary, the available evidence is currently insufficient to determine the role of this variant in disease. Therefore, it has been classified as a Variant of Uncertain Significance. Advanced modeling of protein sequence and biophysical properties (such as structural, functional, and spatial information, amino acid conservation, physicochemical variation, residue mobility, and thermodynamic stability) performed at Invitae indicates that this missense variant is not expected to disrupt TUBB1 protein function. This sequence change replaces threonine, which is neutral and polar, with alanine, which is neutral and non-polar, at codon 274 of the TUBB1 protein (p.Thr274Ala). This variant is not present in population databases (gnomAD no frequency). This variant has not been reported in the literature in individuals affected with TUBB1-related conditions.

NM_030773.4(TUBB1):c.820A>G (p.Thr274Ala)

Gene: TUBB1 (tubulin beta 1 class VI; plus strand). Cytogenetic location: 20q13.32.
Variant type: single nucleotide variant.
Coding change: c.820A>G on transcript NM_030773.4 (MANE Select); coding-DNA position 820, A replaced by G.
Protein change: p.Thr274Ala; replaces threonine 274 with alanine.
Molecular consequence: missense variant.
Genome position (GRCh38, 1-based): chr20:59,024,247, A>G. VCF-style: chr20-59024247-A-G. GRCh37 (hg19) VCF-style: chr20-57599302-A-G.
Other names: short protein forms T274A.
Identifiers: ClinVar variation 2119657 (VCV002119657.4), dbSNP rs2091982426, ClinGen allele CA409467726.